The following is an entry in ClinVar:

ClinVar aggregate classification (germline): Likely pathogenic (1 of 4 stars; one submission).

Conditions:
Hereditary cancer-predisposing syndrome. Also called: Tumor predisposition; Hereditary Cancer Syndrome; Hereditary neoplastic syndrome; Neoplastic Syndromes, Hereditary. Identifiers: Orphanet 140162, MedGen C0027672, MeSH D009386, MONDO:0015356.

Submission:

Ambry Genetics
Classification: Likely pathogenic for Hereditary cancer-predisposing syndrome. Last evaluated: 2025-08-08. Review status: criteria provided, single submitter. Criteria: Ambry Variant Classification Scheme 2023. Collection method: clinical testing. Allele origin: germline.
Comment: The c.73-2A>G intronic variant results from an A to G substitution two nucleotides upstream from coding exon 2 in the SDHB gene. This variant is considered to be rare based on population cohorts in the Genome Aggregation Database (gnomAD). This nucleotide position is highly conserved in available vertebrate species. In silico splice site analysis predicts that this alteration will weaken the native splice acceptor site and will result in the creation or strengthening of a novel splice acceptor site; however, direct evidence is insufficient at this time (Ambry internal data). Alterations that disrupt the canonical splice site are expected to cause aberrant splicing, resulting in an abnormal protein or a transcript that is subject to nonsense-mediated mRNA decay. As such, this alteration is classified as likely pathogenic.

NM_003000.3(SDHB):c.73-2A>G

Gene: SDHB (succinate dehydrogenase complex iron sulfur subunit B; minus strand). Cytogenetic location: 1p36.13.
Variant type: single nucleotide variant.
Coding change: c.73-2A>G on transcript NM_003000.3 (MANE Select); the canonical splice acceptor site of the intron before coding-DNA position 73, A replaced by G.
Molecular consequence: splice acceptor variant.
Genome position (GRCh38, 1-based): chr1:17,044,890, T>C on the plus strand (A>G on the coding strand, the complement: SDHB is on the minus strand). VCF-style: chr1-17044890-T-C. GRCh37 (hg19) VCF-style: chr1-17371385-T-C.
Other names: c.73-2A>G (NM_001407361.1).
Identifiers: ClinVar variation 2625093 (VCV002625093.3), dbSNP rs1474282888, ClinGen allele CA338228462.